The following is an entry in ClinVar:

NM_138295.5(PKD1L1):c.7722del (p.Val2575fs)

Genes: PKD1L1 (polycystin 1 like 1, transient receptor potential channel interacting; minus strand), PKD1L1-AS1 (PKD1L1 antisense RNA 1; plus strand). Cytogenetic location: 7p12.3.
Variant type: Deletion.
Coding change: c.7722del on transcript NM_138295.5 (MANE Select); coding-DNA position 7722, one base deleted (A; older notation c.7722delA).
Protein change: p.Val2575fs; shifts the reading frame from valine 2575.
Molecular consequence: frameshift variant.
Genome position (GRCh38, 1-based): chr7:47,808,352, T deleted on the plus strand (A on the coding strand, the reverse complement: PKD1L1 is on the minus strand). VCF-style (leftmost placement, unchanged base first): chr7-47808351-CT-C. GRCh37 (hg19) VCF-style: chr7-47847949-CT-C.
Other names: short protein forms V2575fs.
Identifiers: ClinVar variation 4988640 (VCV004988640.1).

ClinVar aggregate classification (germline): Likely pathogenic (1 of 4 stars; one submission).

Conditions:
PKD1L1-related disorder. Also called: PKD1L1-related condition.

Submission:

PreventionGenetics, part of Exact Sciences
Classification: Likely pathogenic for PKD1L1-related condition. Last evaluated: 2025-07-14. Review status: criteria provided, single submitter. Criteria: ACMG Guidelines, 2015. Collection method: clinical testing. Allele origin: germline.
Comment: The PKD1L1 c.7722delA variant is predicted to result in a frameshift and premature protein termination (p.Val2575Phefs*50). To our knowledge, this variant has not been reported in the literature. This variant is reported in 0.011% of alleles in individuals of African descent in gnomAD. Frameshift variants in PKD1L1 are expected to be pathogenic. This variant is interpreted as likely pathogenic.